The following is an entry in ClinVar:

NM_001267550.2(TTN):c.84946G>C (p.Glu28316Gln)

Genes: TTN (titin; minus strand), TTN-AS1 (TTN antisense RNA 1; plus strand). Cytogenetic location: 2q31.2.
Variant type: single nucleotide variant.
Coding change: c.84946G>C on transcript NM_001267550.2 (MANE Select); coding-DNA position 84946, G replaced by C.
Protein change: p.Glu28316Gln; replaces glutamic acid 28316 with glutamine.
Molecular consequence: missense variant.
Genome position (GRCh38, 1-based): chr2:178,561,186, C>G on the plus strand (G>C on the coding strand, the complement: TTN is on the minus strand). VCF-style: chr2-178561186-C-G. GRCh37 (hg19) VCF-style: chr2-179425913-C-G.
Other names: p.Glu26675Gln; c.80023G>C, p.Glu26675Gln (NM_001256850.1); c.57751G>C, p.Glu19251Gln (NM_003319.4); c.77242G>C, p.Glu25748Gln (NM_133378.4); c.58126G>C, p.Glu19376Gln (NM_133432.3); c.58327G>C, p.Glu19443Gln (NM_133437.4); short protein forms E19376Q, E26675Q, E19443Q, E28316Q, E19251Q, E25748Q.
Identifiers: ClinVar variation 669202 (VCV000669202.12), dbSNP rs183238138, ClinGen allele CA1988717.

ClinVar aggregate classification (germline): Conflicting classifications of pathogenicity. Review status: criteria provided, conflicting classifications (1 of 4 stars). 6 submissions from 6 submitters: Uncertain significance (4); Likely benign (2). Last evaluated 2026-04-09.

Conditions:
TTN-related disorder. Also called: TTN-related disorders; TTN-related condition; TTN-related disease.
Cardiovascular phenotype. Identifiers: MedGen CN230736.

Allele frequency attached by ClinVar (database versions not stated): gnomAD exomes 0.00003; ExAC 0.00006; gnomAD 0.00010 and 0.00011; TOPMed 0.00013; 1000 Genomes Project 30x 0.00016; 1000 Genomes Project 0.00020.
gnomAD v4.1: 29 of 1,613,560 alleles (0.0018%); highest among the groups gnomAD compares: African/African-American, 0.033%; no homozygotes.

Submissions (6):

PreventionGenetics, part of Exact Sciences
Classification: Uncertain significance for TTN-related condition. Last evaluated: 2026-04-09. Review status: criteria provided, single submitter. Criteria: ACMG Guidelines, 2015. Collection method: clinical testing. Allele origin: germline.
Comment: The TTN c.84946G>C variant is predicted to result in the amino acid substitution p.Glu28316Gln. This variant has been reported with other TTN variants in a case of sudden cardiac death (Scheiper et al. 2018. PubMed ID: 30415094). This variant is reported in 0.037% of alleles in individuals of African descent in gnomAD. At this time, the clinical significance of this variant is uncertain due to the absence of conclusive functional and genetic evidence.

Women's Health and Genetics/Laboratory Corporation of America, LabCorp
Classification: Uncertain significance. Last evaluated: 2022-11-14. Review status: criteria provided, single submitter. Criteria: LabCorp Variant Classification Summary - May 2015. Collection method: clinical testing. Allele origin: germline.
Comment: Variant summary: TTN c.77242G>C (p.Glu25748Gln) results in a conservative amino acid change located in the A-band region of the encoded protein sequence. Two of four in-silico tools predict a benign effect of the variant on protein function. The variant allele was found at a frequency of 2.8e-05 in 248056 control chromosomes (gnomAD). The available data on variant occurrences in the general population are insufficient to allow any conclusion about variant significance. c.77242G>C has been reported in the literature in a sudden unexpected death case (Scheiper_2018). This report does not provide unequivocal conclusions about association of the variant with Dilated Cardiomyopathy. To our knowledge, no experimental evidence demonstrating an impact on protein function has been reported. Two ClinVar submitters (evaluation after 2014) cite the variant as likely benign and as uncertain significance. Based on the evidence outlined above, the variant was classified as uncertain significance.

Mayo Clinic Laboratories, Mayo Clinic
Classification: Uncertain significance. Last evaluated: 2021-10-14. Review status: criteria provided, single submitter. Criteria: ACMG Guidelines, 2015. Collection method: clinical testing. Allele origin: germline.

Ambry Genetics
Classification: Likely benign for Cardiovascular phenotype. Last evaluated: 2020-05-20. Review status: criteria provided, single submitter. Criteria: Ambry Variant Classification Scheme 2023. Collection method: clinical testing. Allele origin: germline.

Revvity Omics, Revvity
Classification: Uncertain significance. Last evaluated: 2019-04-24. Review status: criteria provided, single submitter. Criteria: ACMG Guidelines, 2015. Collection method: clinical testing. Allele origin: germline.

GeneDx
Classification: Likely benign. Last evaluated: 2018-06-11. Review status: criteria provided, single submitter. Criteria: GeneDx Variant Classification (06012015). Collection method: clinical testing. Allele origin: germline. Affected: yes.
Comment: This variant is considered likely benign or benign based on one or more of the following criteria: it is a conservative change, it occurs at a poorly conserved position in the protein, it is predicted to be benign by multiple in silico algorithms, and/or has population frequency not consistent with disease.

Literature cited by the submitters: PubMed 30415094 (cited by Women's Health and Genetics/Laboratory Corporation of America, LabCorp).